The following is an entry in ClinVar:

ClinVar aggregate classification (germline): Uncertain significance (1 of 4 stars; one submission).

Conditions:
Treacher Collins syndrome 1 (TCS1). Also called: TCOF1-Related Treacher Collins Syndrome. Identifiers: Orphanet 861, MedGen CN315775, MONDO:0007944, OMIM 154500.

Submission:

Victorian Clinical Genetics Services, Murdoch Childrens Research Institute
Classification: Uncertain significance for Treacher Collins syndrome 1. Last evaluated: 2022-02-02. Review status: criteria provided, single submitter. Criteria: ACMG Guidelines, 2015. Collection method: clinical testing. Allele origin: germline. Inheritance: Autosomal dominant inheritance. Affected: yes.
Comment: Based on the classification scheme VCGS_Germline_v1.3.4, this variant is classified as VUS-3A Following criteria are met: 0102 - Loss of function is a known mechanism of disease in this gene and is associated with Treacher Collins syndrome 1 (MIM#154500). (I) 0107 - This gene is associated with autosomal dominant disease. (I) 0112 - The condition associated with this gene has incomplete penetrance. While penetrance for Treacher Collins syndrome 1 (MIM#154500) is high, reduced penetrance has been reported for TCOF1 (GeneReviews). (I) 0115 - Variants in this gene are known to have variable expressivity. Significant inter and intra familial variability has been reported (GeneReviews). (I) 0200 - Variant is predicted to result in a missense amino acid change from glutamic acid to glutamine. (I) 0251 - This variant is heterozygous. (I) 0301 - Variant is absent from gnomAD (both v2 and v3). (SP) 0309 - An alternative amino acid change at the same position has been observed in gnomAD (v2: 1 heterozygote, 0 homozygotes). (I) 0503 - Missense variant consistently predicted to be tolerated by multiple in silico tools or not conserved in placental mammals with a minor amino acid change. (I) 0603 - Missense variant in a region that is highly intolerant to missense variation (high constraint region in DECIPHER). (SP) 0705 - No comparable missense variants have previous evidence for pathogenicity. (I) 0807 - This variant has no previous evidence of pathogenicity. (I) 0905 - No published segregation evidence has been identified for this variant. (I) 1007 - No published functional evidence has been identified for this variant. (SP) Legend: (SP) - Supporting pathogenic, (I) - Information, (SB) - Supporting benign

NM_001371623.1(TCOF1):c.85G>C (p.Glu29Gln)

Gene: TCOF1 (treacle ribosome biogenesis factor 1; plus strand). Cytogenetic location: 5q32.
Variant type: single nucleotide variant.
Coding change: c.85G>C on transcript NM_001371623.1 (MANE Select); coding-DNA position 85, G replaced by C.
Protein change: p.Glu29Gln; replaces glutamic acid 29 with glutamine.
Molecular consequence: missense variant.
Genome position (GRCh38, 1-based): chr5:150,357,831, G>C. VCF-style: chr5-150357831-G-C. GRCh37 (hg19) VCF-style: chr5-149737394-G-C.
Other names: c.85G>C, p.Glu29Gln (NM_000356.4, NM_001008657.3, NM_001135243.2 and 3 more transcripts); short protein forms E29Q.
Identifiers: ClinVar variation 1805168 (VCV001805168.1), dbSNP rs1385092969, ClinGen allele CA361726156.
Genomic context (GRCh38, chr5:150,357,831, plus strand): 5'-GAGCTACTTCCCCTGATCTACCACCATCTGCTGCGGGCTGGCTATGTGCGTGCGGCGCGG[G>C]AAGTGAAGGAGCAGAGCGGCCAGGTAAGCGTTCGTGGGCCGTGTGCGAGGGCCGCGTGCA-3'
Protein context (NP_001358552.1, residues 19-39): LRAGYVRAAR[Glu29Gln]VKEQSGQKCF